The following is an entry in ClinVar:

ClinVar aggregate classification (germline): Uncertain significance (1 of 4 stars; one submission).

Conditions:
Inborn genetic diseases. Identifiers: MedGen C0950123, MeSH D030342.

Submission:

Ambry Genetics
Classification: Uncertain significance for Inborn genetic diseases. Last evaluated: 2024-03-27. Review status: criteria provided, single submitter. Criteria: Ambry Variant Classification Scheme 2023. Collection method: clinical testing. Allele origin: germline.
Comment: The p.E2251G variant (also known as c.6752A>G), located in coding exon 40 of the ATR gene, results from an A to G substitution at nucleotide position 6752. The glutamic acid at codon 2251 is replaced by glycine, an amino acid with similar properties. This amino acid position is conserved. In addition, this alteration is predicted to be tolerated by in silico analysis. Based on the available evidence, the clinical significance of this alteration remains unclear.

NM_001184.4(ATR):c.6752A>G (p.Glu2251Gly)

Gene: ATR (ATR serine/threonine kinase; minus strand). Cytogenetic location: 3q23.
Variant type: single nucleotide variant.
Coding change: c.6752A>G on transcript NM_001184.4 (MANE Select); coding-DNA position 6752, A replaced by G.
Protein change: p.Glu2251Gly; replaces glutamic acid 2251 with glycine.
Molecular consequence: missense variant.
Genome position (GRCh38, 1-based): chr3:142,466,469, T>C on the plus strand (A>G on the coding strand, the complement: ATR is on the minus strand). VCF-style: chr3-142466469-T-C. GRCh37 (hg19) VCF-style: chr3-142185311-T-C.
Other names: c.6560A>G, p.Glu2187Gly (NM_001354579.2); short protein forms E2251G, E2187G.
Identifiers: ClinVar variation 3331391 (VCV003331391.1).
Genomic context (GRCh38, chr3:142,466,469, plus strand): 5'-GGAAGTGTAGGTATCATGACTGATTGTAGAGGAATGAGGATTTCACTAAATGTTGCTTCT[T>C]CTACCAGCTTTTTAAGCATTTTAAAATGAGTGCTCATGCTTAATGTGGAACTACTTCCAT-3'
Protein context (NP_001175.2, residues 2241-2261): THFKMLKKLV[Glu2251Gly]EATFSEILIP